The following is an entry in ClinVar:

NM_006648.4(WNK2):c.1200G>T (p.Gln400His)

Gene: WNK2 (WNK lysine deficient protein kinase 2; plus strand). Cytogenetic location: 9q22.31.
Variant type: single nucleotide variant.
Coding change: c.1200G>T on transcript NM_006648.4 (MANE Select); coding-DNA position 1200, G replaced by T.
Protein change: p.Gln400His; replaces glutamine 400 with histidine.
Molecular consequence: missense variant.
Genome position (GRCh38, 1-based): chr9:93,234,932, G>T. VCF-style: chr9-93234932-G-T. GRCh37 (hg19) VCF-style: chr9-95997214-G-T.
Other names: c.1200G>T, p.Gln400His (NM_001282394.3); short protein forms Q400H.
Identifiers: ClinVar variation 4866740 (VCV004866740.1).
Genomic context (GRCh38, chr9:93,234,932, plus strand): 5'-TGCCTTTGGGATGTGCATGCTGGAGATGGCCACCTCGGAGTACCCCTACTCGGAGTGCCA[G>T]AATGCGGCCCAGATCTACCGCAAGGTCACCTGTGTGAGTCCACCTGGCCCCTTGGTTAAT-3'
Protein context (NP_006639.3, residues 390-410): ATSEYPYSEC[Gln400His]NAAQIYRKVT

ClinVar aggregate classification (germline): Uncertain significance (1 of 4 stars; one submission).

Submission:

Ambry Genetics
Classification: Uncertain significance. Last evaluated: 2026-06-08. Review status: criteria provided, single submitter. Criteria: Ambry Variant Classification Scheme 2023. Collection method: clinical testing. Allele origin: germline.
Comment: The p.Q400H variant (also known as c.1200G>T), located in coding exon 4 of the WNK2 gene, results from a G to T substitution at nucleotide position 1200. The glutamine at codon 400 is replaced by histidine, an amino acid with highly similar properties. This amino acid position is conserved. In addition, this alteration is predicted to be tolerated by in silico analysis. Based on the available evidence, the clinical significance of this variant remains unclear.